The following is an entry in ClinVar:

NC_000017.10:g.(?_3379434)_(3402402_?)dup

Gene: ASPA (aspartoacylase; plus strand). Cytogenetic location: 17p13.2.
Variant type: Duplication.
Identifiers: ClinVar variation 2422204 (VCV002422204.2).

ClinVar aggregate classification (germline): Uncertain significance (1 of 4 stars; one submission).

Conditions:
Spongy degeneration of central nervous system. Also called: ASP DEFICIENCY; ASPA DEFICIENCY; ASPARTOACYLASE DEFICIENCY; CANAVAN-VAN BOGAERT-BERTRAND DISEASE; Canavan disease; Von Bogaert-Bertrand disease. Identifiers: Orphanet 141, MedGen C0206307, MONDO:0010079, OMIM 271900.

Submission:

Labcorp Genetics (formerly Invitae), Labcorp
Classification: Uncertain significance for Spongy degeneration of central nervous system. Last evaluated: 2020-08-21. Review status: criteria provided, single submitter. Criteria: Invitae Variant Classification Sherloc (09022015). Collection method: clinical testing. Allele origin: germline.
Comment: This variant results in a copy number gain of the genomic region encompassing the full coding sequence of the ASPA gene. The boundaries of this event are unknown as they extend beyond the assayed region for this gene and therefore may encompass additional genes. As the precise location of this event is unknown, it may be in tandem or it may be located elsewhere in the genome. This variant has not been reported in the literature in individuals with ASPA-related conditions. In summary, the available evidence is currently insufficient to determine the role of this variant in disease. Therefore, it has been classified as a Variant of Uncertain Significance.